The following is an entry in ClinVar:

NM_013275.6(ANKRD11):c.4536C>T (p.Arg1512=)

Gene: ANKRD11 (ankyrin repeat domain 11; minus strand). Cytogenetic location: 16q24.3.
Variant type: single nucleotide variant.
Coding change: c.4536C>T on transcript NM_013275.6 (MANE Select); coding-DNA position 4536, C replaced by T.
Protein change: p.Arg1512=; no amino-acid change (arginine 1512 retained).
Molecular consequence: synonymous variant.
Genome position (GRCh38, 1-based): chr16:89,282,006, G>A on the plus strand (C>T on the coding strand, the complement: ANKRD11 is on the minus strand). VCF-style: chr16-89282006-G-A. GRCh37 (hg19) VCF-style: chr16-89348414-G-A.
Other names: c.4536C>T, p.Arg1512= (NM_001256182.2, NM_001256183.2).
Identifiers: ClinVar variation 5040460 (VCV005040460.1).

ClinVar aggregate classification (germline): Likely benign (1 of 4 stars; one submission).

Submission:

CeGaT Center for Human Genetics Tuebingen
Classification: Likely benign. Last evaluated: 2026-08-01. Review status: criteria provided, single submitter. Criteria: CeGaT Center For Human Genetics Tuebingen Variant Classification Criteria Version 2. Collection method: clinical testing. Allele origin: germline. Affected: yes. Observed: 1 variant allele.
Comment: ANKRD11: BP4, BP7